The following is an entry in ClinVar:

NM_025103.4(IFT74):c.525+7A>C

Gene: IFT74 (intraflagellar transport 74; plus strand). Cytogenetic location: 9p21.2.
Variant type: single nucleotide variant.
Coding change: c.525+7A>C on transcript NM_025103.4 (MANE Select); 7 bases into the intron after coding-DNA position 525, A replaced by C.
Molecular consequence: intron variant.
Genome position (GRCh38, 1-based): chr9:26,988,735, A>C. VCF-style: chr9-26988735-A-C. GRCh37 (hg19) VCF-style: chr9-26988733-A-C.
Other names: c.525+7A>C (NM_001099223.3, NM_001099222.3, NM_001349928.2 and 1 more transcripts).
Identifiers: ClinVar variation 4996141 (VCV004996141.1).

ClinVar aggregate classification (germline): Likely benign (1 of 4 stars; one submission).

Conditions:
IFT74-related disorder. Also called: IFT74-Related Disorders; IFT74-related condition.

Submission:

PreventionGenetics, part of Exact Sciences
Classification: Likely benign for IFT74-related condition. Last evaluated: 2026-02-23. Review status: criteria provided, single submitter. Criteria: ACMG Guidelines, 2015. Collection method: clinical testing. Allele origin: germline.
Comment: This variant is classified as likely benign based on ACMG/AMP sequence variant interpretation guidelines (Richards et al. 2015 PMID: 25741868, with internal and published modifications).